The following is an entry in ClinVar:

ClinVar aggregate classification (germline): Benign/Likely benign. Review status: criteria provided, multiple submitters, no conflicts (2 of 4 stars). 2 submissions from 2 submitters: Benign (1); Likely benign (1). Last evaluated 2025-03-19.

Conditions:
Juvenile polyposis syndrome (JPS). Identifiers: Orphanet 2929, MedGen C0345893, MONDO:0017380, OMIM 174900.
Juvenile polyposis/hereditary hemorrhagic telangiectasia syndrome (JPHT). Also called: JP/HHT SYNDROME; JUVENILE POLYPOSIS WITH HEREDITARY HEMORRHAGIC TELANGIECTASIA; POLYPOSIS, GENERALIZED JUVENILE, WITH PULMONARY ARTERIOVENOUS MALFORMATION; TELANGIECTASIA, HEREDITARY HEMORRHAGIC, WITH JUVENILE POLYPOSIS COLI; Juvenile Polyposis Syndrome / Hereditary Hemorrhagic Telangiectasia (JPS/HHT). Identifiers: Orphanet 2929, MedGen C1832942, MONDO:0008278, OMIM 175050.

Submissions (2):

Myriad Genetics, Inc.
Classification: Benign for Juvenile polyposis/hereditary hemorrhagic telangiectasia syndrome. Last evaluated: 2025-03-19. Review status: criteria provided, single submitter. Criteria: Myriad Autosomal Dominant, Autosomal Recessive and X-Linked Classification Criteria (2023). Collection method: clinical testing. Allele origin: unknown.
Comment: This variant is considered benign. This variant is a silent/synonymous amino acid change and it is not expected to impact splicing.

Labcorp Genetics (formerly Invitae), Labcorp
Classification: Likely benign for Juvenile polyposis syndrome. Last evaluated: 2022-10-12. Review status: criteria provided, single submitter. Criteria: Invitae Variant Classification Sherloc (09022015). Collection method: clinical testing. Allele origin: germline.

NM_005359.6(SMAD4):c.729G>A (p.Gly243=)

Gene: SMAD4 (SMAD family member 4; plus strand). Cytogenetic location: 18q21.2.
Variant type: single nucleotide variant.
Coding change: c.729G>A on transcript NM_005359.6 (MANE Select); coding-DNA position 729, G replaced by A.
Protein change: p.Gly243=; no amino-acid change (glycine 243 retained).
Molecular consequence: synonymous variant. On other transcripts: non-coding transcript variant (2).
Genome position (GRCh38, 1-based): chr18:51,058,186, G>A. VCF-style: chr18-51058186-G-A. GRCh37 (hg19) VCF-style: chr18-48584556-G-A.
Other names: c.729G>A, p.Gly243= (NM_001407041.1, NM_001407042.1, NM_001407043.1).
Identifiers: ClinVar variation 2035259 (VCV002035259.5), dbSNP rs2144427189, ClinGen allele CA503993870.